The following is an entry in ClinVar:

NM_001283009.2(RTEL1):c.3110-1G>A

Genes: RTEL1 (regulator of telomere elongation helicase 1; plus strand), RTEL1-TNFRSF6B (RTEL1-TNFRSF6B readthrough (NMD candidate); plus strand). Cytogenetic location: 20q13.33.
Variant type: single nucleotide variant.
Coding change: c.3110-1G>A on transcript NM_001283009.2 (MANE Select); the canonical splice acceptor site of the intron before coding-DNA position 3110, G replaced by A.
Molecular consequence: splice acceptor variant.
Genome position (GRCh38, 1-based): chr20:63,694,740, G>A. VCF-style: chr20-63694740-G-A. GRCh37 (hg19) VCF-style: chr20-62326093-G-A.
Other names: c.2441-1G>A (NM_001283010.1); c.3182-1G>A (NM_032957.5); c.3110-1G>A (NM_016434.4).
Identifiers: ClinVar variation 3587616 (VCV003587616.4).
Genomic context (GRCh38, chr20:63,694,740, plus strand): 5'-GCGGTGGGACTCTCAGTCCTCCACCCCAGCGCCACTCTGAGCCATGCTACTCCCACACCA[G>A]GAGACCCTGGCAGCCAACCACAGTGGGGGTCTGGAGTGCCCAGAGCAGGGAAGCAGGGCC-3'

ClinVar aggregate classification (germline): Likely pathogenic. Review status: criteria provided, multiple submitters, no conflicts (2 of 4 stars). 3 submissions from 3 submitters: Likely pathogenic (3). Last evaluated 2024-11-01.

Conditions:
Dyskeratosis congenita, autosomal recessive 5 (DKCB5). Identifiers: MedGen C3554656, MONDO:0014076, OMIM 615190.
Pulmonary fibrosis and/or bone marrow failure, Telomere-related, 3. Also called: PULMONARY FIBROSIS AND/OR BONE MARROW FAILURE SYNDROME, TELOMERE-RELATED, 3. Identifiers: Orphanet 2032, MedGen C4225346, MONDO:0014613, OMIM 616373.

Submissions (3):

Institute for Genomic Medicine (IGM) Clinical Laboratory, Nationwide Children's Hospital
Classification: Likely pathogenic for Pulmonary fibrosis and/or bone marrow failure, Telomere-related, 3. Last evaluated: 2024-11-01. Review status: criteria provided, single submitter. Criteria: ACMG Guidelines, 2015. Collection method: clinical testing. Allele origin: germline.
Comment: This variant is predicted to result in loss of function through nonsense-mediated decay of the encoded transcript or premature truncation of the encoded protein in a gene in which loss of function is a known mechanism of disease (ACMG/AMP: PVS1; PMIDs:24582487, 31478401, 23453664, 23959892, 29344583). This variant is absent from or present at an exceedingly low frequency in gnomAD, a large-scale control population database (ACMG/AMP: PM2).

Labcorp Genetics (formerly Invitae), Labcorp
Classification: Likely pathogenic for Dyskeratosis congenita, autosomal recessive 5; Pulmonary fibrosis and/or bone marrow failure, Telomere-related, 3. Last evaluated: 2024-09-16. Review status: criteria provided, single submitter. Criteria: Invitae Variant Classification Sherloc (09022015). Collection method: clinical testing. Allele origin: germline.
Comment: This sequence change affects an acceptor splice site in intron 31 of the RTEL1 gene. It is expected to disrupt RNA splicing. Variants that disrupt the donor or acceptor splice site typically lead to a loss of protein function (PMID: 16199547), and loss-of-function variants in RTEL1 are known to be pathogenic (PMID: 23453664, 23959892, 25607374). This variant is not present in population databases (gnomAD no frequency). This variant has not been reported in the literature in individuals affected with RTEL1-related conditions. Algorithms developed to predict the effect of sequence changes on RNA splicing suggest that this variant may disrupt the consensus splice site. In summary, the currently available evidence indicates that the variant is pathogenic, but additional data are needed to prove that conclusively. Therefore, this variant has been classified as Likely Pathogenic.

Fulgent Genetics
Classification: Likely pathogenic for Dyskeratosis congenita, autosomal recessive 5; Pulmonary fibrosis and/or bone marrow failure, Telomere-related, 3. Last evaluated: 2024-05-29. Review status: criteria provided, single submitter. Criteria: ACMG Guidelines, 2015. Collection method: clinical testing. Allele origin: germline.

Literature cited by the submitters: PubMed 24582487 (cited by Institute for Genomic Medicine (IGM) Clinical Laboratory, Nationwide Children's Hospital); PubMed 31478401 (cited by Institute for Genomic Medicine (IGM) Clinical Laboratory, Nationwide Children's Hospital); PubMed 23453664 (cited by Institute for Genomic Medicine (IGM) Clinical Laboratory, Nationwide Children's Hospital and Labcorp Genetics (formerly Invitae), Labcorp); PubMed 23959892 (cited by Institute for Genomic Medicine (IGM) Clinical Laboratory, Nationwide Children's Hospital and Labcorp Genetics (formerly Invitae), Labcorp); PubMed 29344583 (cited by Institute for Genomic Medicine (IGM) Clinical Laboratory, Nationwide Children's Hospital); PubMed 16199547 (cited by Labcorp Genetics (formerly Invitae), Labcorp); PubMed 25607374 (cited by Labcorp Genetics (formerly Invitae), Labcorp).